The following is an entry in ClinVar:

NM_004946.3(DOCK2):c.4380+5G>A

Gene: DOCK2 (dedicator of cytokinesis 2; plus strand). Cytogenetic location: 5q35.1.
Variant type: single nucleotide variant.
Coding change: c.4380+5G>A on transcript NM_004946.3 (MANE Select); 5 bases into the intron after coding-DNA position 4380, G replaced by A.
Molecular consequence: intron variant.
Genome position (GRCh38, 1-based): chr5:170,056,773, G>A. VCF-style: chr5-170056773-G-A. GRCh37 (hg19) VCF-style: chr5-169483777-G-A.
Identifiers: ClinVar variation 2698026 (VCV002698026.3), dbSNP rs2532478663, ClinGen allele CA2697546573.

ClinVar aggregate classification (germline): Uncertain significance (1 of 4 stars; one submission).

Conditions:
DOCK2 deficiency. Also called: Immunodeficiency 40. Identifiers: Orphanet 447737, MedGen C4225328, MONDO:0014637, OMIM 616433.

Submission:

Labcorp Genetics (formerly Invitae), Labcorp
Classification: Uncertain significance for DOCK2 deficiency. Last evaluated: 2023-12-01. Review status: criteria provided, single submitter. Criteria: Invitae Variant Classification Sherloc (09022015). Collection method: clinical testing. Allele origin: germline.
Comment: This sequence change falls in intron 43 of the DOCK2 gene. It does not directly change the encoded amino acid sequence of the DOCK2 protein. It affects a nucleotide within the consensus splice site. This variant is not present in population databases (gnomAD no frequency). This variant has not been reported in the literature in individuals affected with DOCK2-related conditions. Variants that disrupt the consensus splice site are a relatively common cause of aberrant splicing (PMID: 17576681, 9536098). Algorithms developed to predict the effect of sequence changes on RNA splicing suggest that this variant may disrupt the consensus splice site. In summary, the available evidence is currently insufficient to determine the role of this variant in disease. Therefore, it has been classified as a Variant of Uncertain Significance.

Literature cited by the submitters: PubMed 17576681; PubMed 9536098.